The following is an entry in ClinVar:

NM_016247.4(IMPG2):c.2651C>G (p.Thr884Arg)

Gene: IMPG2 (interphotoreceptor matrix proteoglycan 2; minus strand). Cytogenetic location: 3q12.3.
Variant type: single nucleotide variant.
Coding change: c.2651C>G on transcript NM_016247.4 (MANE Select); coding-DNA position 2651, C replaced by G.
Protein change: p.Thr884Arg; replaces threonine 884 with arginine.
Molecular consequence: missense variant.
Genome position (GRCh38, 1-based): chr3:101,243,680, G>C on the plus strand (C>G on the coding strand, the complement: IMPG2 is on the minus strand). VCF-style: chr3-101243680-G-C. GRCh37 (hg19) VCF-style: chr3-100962524-G-C.
Other names: c.2651C>G (NM_016247.3); short protein forms T884R.
Identifiers: ClinVar variation 1021206 (VCV001021206.9), dbSNP rs1439715357, ClinGen allele CA353856198.
Genomic context (GRCh38, chr3:101,243,680, plus strand): 5'-CTGAAGAAAACCACCAAAGCTCCTGAAGTCTGGGTATAACTCAAGTCATCTCCTCCTTCT[G>C]TGGGCCAAGCCACACTAACCATCTCTGTGGAGTGAACACTTGTTGACATTTCCACATAAC-3'
Protein context (NP_057331.2, residues 874-894): STEMVSVAWP[Thr884Arg]EGGDDLSYTQ

ClinVar aggregate classification (germline): Uncertain significance. Review status: criteria provided, multiple submitters, no conflicts (2 of 4 stars). 2 submissions from 2 submitters: Uncertain significance (2). Last evaluated 2022-12-13.

Conditions:
Inborn genetic diseases. Identifiers: MedGen C0950123, MeSH D030342.

Allele frequency attached by ClinVar (database versions not stated): gnomAD exomes 0.00001; TOPMed 0.00001.
gnomAD v4.1: 15 of 1,614,072 alleles (0.00093%); highest among the groups gnomAD compares: Non-Finnish European, 0.0013%; no homozygotes.

Submissions (2):

Ambry Genetics
Classification: Uncertain significance for Inborn genetic diseases. Last evaluated: 2022-12-13. Review status: criteria provided, single submitter. Criteria: Ambry Variant Classification Scheme 2023. Collection method: clinical testing. Allele origin: germline.

Labcorp Genetics (formerly Invitae), Labcorp
Classification: Uncertain significance. Last evaluated: 2020-10-19. Review status: criteria provided, single submitter. Criteria: Invitae Variant Classification Sherloc (09022015). Collection method: clinical testing. Allele origin: germline.
Comment: Algorithms developed to predict the effect of missense changes on protein structure and function are either unavailable or do not agree on the potential impact of this missense change (SIFT: "Deleterious"; PolyPhen-2: "Possibly Damaging"; Align-GVGD: "Class C15"). This variant has not been reported in the literature in individuals with IMPG2-related conditions. This variant is not present in population databases (ExAC no frequency). This sequence change replaces threonine with arginine at codon 884 of the IMPG2 protein (p.Thr884Arg). The threonine residue is highly conserved and there is a moderate physicochemical difference between threonine and arginine. In summary, the available evidence is currently insufficient to determine the role of this variant in disease. Therefore, it has been classified as a Variant of Uncertain Significance. Algorithms developed to predict the effect of sequence changes on RNA splicing suggest that this variant may create or strengthen a splice site, but this prediction has not been confirmed by published transcriptional studies.